The following is an entry in ClinVar:

NM_002454.3(MTRR):c.*541G>A

Gene: MTRR (5-methyltetrahydrofolate-homocysteine methyltransferase reductase; plus strand). Cytogenetic location: 5p15.31.
Variant type: single nucleotide variant.
Coding change: c.*541G>A on transcript NM_002454.3 (MANE Select); 541 bases downstream of the stop codon, G replaced by A.
Molecular consequence: 3 prime UTR variant. On other transcripts: non-coding transcript variant (14).
Genome position (GRCh38, 1-based): chr5:7,900,599, G>A. VCF-style: chr5-7900599-G-A. GRCh37 (hg19) VCF-style: chr5-7900712-G-A.
Other names: c.*541G>A (NM_001364440.2, NM_001364441.2, NM_001364442.2 and 1 more transcripts).
Identifiers: ClinVar variation 354370 (VCV000354370.6), dbSNP rs9332, ClinGen allele CA10620879.

ClinVar aggregate classification (germline): Benign. Review status: criteria provided, multiple submitters, no conflicts (2 of 4 stars). 2 submissions from 2 submitters: Benign (2). Last evaluated 2018-01-13.

Conditions:
Disorders of Intracellular Cobalamin Metabolism. Identifiers: MedGen CN043592.

Allele frequency attached by ClinVar (database versions not stated): gnomAD exomes 0.07181; gnomAD 0.20667 and 0.20936; TOPMed 0.23219; 1000 Genomes Project 0.24720; 1000 Genomes Project 30x 0.25796.
gnomAD v4.1: 31,307 of 152,788 alleles (20%); highest among the groups gnomAD compares: African/African-American, 38%; 4,514 homozygotes.

Submissions (2):

Illumina Laboratory Services, Illumina
Classification: Benign for Disorders of Intracellular Cobalamin Metabolism. Last evaluated: 2018-01-13. Review status: criteria provided, single submitter. Criteria: ICSL Variant Classification Criteria 13 December 2019. Collection method: clinical testing. Allele origin: germline.
Comment: This variant was observed in the ICSL laboratory as part of a predisposition screen in an ostensibly healthy population. It had not been previously curated by ICSL or reported in the Human Gene Mutation Database (HGMD: prior to June 1st, 2018), and was therefore a candidate for classification through an automated scoring system. Utilizing variant allele frequency, disease prevalence and penetrance estimates, and inheritance mode, an automated score was calculated to assess if this variant is too frequent to cause the disease. Based on the score and internal cut-off values, a variant classified as benign is not then subjected to further curation. The score for this variant resulted in a classification of benign for this disease.

Breakthrough Genomics
Classification: Benign. Review status: criteria provided, single submitter. Criteria: ACMG Guidelines, 2015. Collection method: not provided. Allele origin: germline. Inheritance: Autosomal recessive inheritance. Affected: yes.